The following is an entry in ClinVar:

NM_000531.6(OTC):c.1006-1G>A

Gene: OTC (ornithine transcarbamylase; plus strand). Cytogenetic location: Xp11.4.
Variant type: single nucleotide variant.
Coding change: c.1006-1G>A on transcript NM_000531.6 (MANE Select); the canonical splice acceptor site of the intron before coding-DNA position 1006, G replaced by A.
Molecular consequence: splice acceptor variant.
Genome position (GRCh38, 1-based): chrX:38,421,022, G>A. VCF-style: chrX-38421022-G-A. GRCh37 (hg19) VCF-style: chrX-38280275-G-A.
Other names: c.1006-1G>A (NM_001407092.1).
Identifiers: ClinVar variation 97092 (VCV000097092.2), dbSNP rs67916658, ClinGen allele CA224434.

ClinVar aggregate classification (germline): Pathogenic (0 of 4 stars; one submission).

Submission:

GenMed Metabolism Lab
Classification: Pathogenic. Review status: no assertion criteria provided. Collection method: not provided. Allele origin: unknown.
Comment: Neonatal, Acceptor splice site error
ClinVar note: Converted during submission from pathogenic to Pathogenic.